The following is an entry in ClinVar:

NM_004281.4(BAG3):c.1326dup (p.Glu443Ter)

Gene: BAG3 (BAG cochaperone 3; plus strand). Cytogenetic location: 10q26.11.
Variant type: Duplication.
Coding change: c.1326dup on transcript NM_004281.4 (MANE Select); coding-DNA position 1326, one base duplicated (T; older notation c.1326dupT).
Protein change: p.Glu443Ter; replaces glutamic acid 443 with a stop codon.
Molecular consequence: nonsense.
Genome position (GRCh38, 1-based): chr10:119,676,880, T duplicated; the last of 3 consecutive T bases (chr10:119,676,878-119,676,880); duplicating any one gives the same sequence. VCF-style (leftmost placement, unchanged base first): chr10-119676877-C-CT. GRCh37 (hg19) VCF-style: chr10-121436389-C-CT.
Other names: short protein forms E443*.
Identifiers: ClinVar variation 1456226 (VCV001456226.8), dbSNP rs2134069217, ClinGen allele CA2573145590.

ClinVar aggregate classification (germline): Pathogenic (1 of 4 stars; one submission).

Conditions:
Dilated cardiomyopathy 1HH (CMD1HH). Identifiers: Orphanet 154, MedGen C3151293, MONDO:0013479, OMIM 613881.
Myofibrillar myopathy 6. Identifiers: Orphanet 199340, MedGen C2751831, MONDO:0013061, OMIM 612954.

Submission:

Labcorp Genetics (formerly Invitae), Labcorp
Classification: Pathogenic for Dilated cardiomyopathy 1HH; Myofibrillar myopathy 6. Last evaluated: 2024-09-30. Review status: criteria provided, single submitter. Criteria: Invitae Variant Classification Sherloc (09022015). Collection method: clinical testing. Allele origin: germline.
Comment: This sequence change creates a premature translational stop signal (p.Glu443*) in the BAG3 gene. While this is not anticipated to result in nonsense mediated decay, it is expected to disrupt the last 133 amino acid(s) of the BAG3 protein. This variant is not present in population databases (gnomAD no frequency). This variant has not been reported in the literature in individuals affected with BAG3-related conditions. ClinVar contains an entry for this variant (Variation ID: 1456226). This variant disrupts a region of the BAG3 protein in which other variant(s) (p.Glu471Argfs*95) have been determined to be pathogenic (internal data). This suggests that this is a clinically significant region of the protein, and that variants that disrupt it are likely to be disease-causing. For these reasons, this variant has been classified as Pathogenic.